The following is an entry in ClinVar:

NM_130384.3(ATRIP):c.370C>T (p.Leu124Phe)

Genes: ATRIP (ATR interacting protein; plus strand), ATRIP-TREX1 (ATRIP-TREX1 readthrough; plus strand). Cytogenetic location: 3p21.31.
Variant type: single nucleotide variant.
Coding change: c.370C>T on transcript NM_130384.3 (MANE Select); coding-DNA position 370, C replaced by T.
Protein change: p.Leu124Phe; replaces leucine 124 with phenylalanine.
Molecular consequence: missense variant. On other transcripts: non-coding transcript variant (1), 5 prime UTR variant (1).
Genome position (GRCh38, 1-based): chr3:48,450,159, C>T. VCF-style: chr3-48450159-C-T. GRCh37 (hg19) VCF-style: chr3-48491565-C-T.
Other names: c.-95C>T (NM_001271022.2); c.91C>T, p.Leu31Phe (NM_001271023.2); c.370C>T, p.Leu124Phe (NM_032166.4); short protein forms L31F, L124F.
Identifiers: ClinVar variation 4844942 (VCV004844942.1).

ClinVar aggregate classification (germline): Uncertain significance (1 of 4 stars; one submission).

Submission:

Ambry Genetics
Classification: Uncertain significance. Last evaluated: 2026-02-13. Review status: criteria provided, single submitter. Criteria: Ambry Variant Classification Scheme 2023. Collection method: clinical testing. Allele origin: germline.
Comment: The p.L124F variant (also known as c.370C>T), located in coding exon 2 of the ATRIP gene, results from a C to T substitution at nucleotide position 370. The leucine at codon 124 is replaced by phenylalanine, an amino acid with highly similar properties. This amino acid position is conserved. In addition, the in silico prediction for this alteration is inconclusive. Based on the available evidence, the clinical significance of this variant remains unclear.